The following is an entry in ClinVar:

NM_015450.3(POT1):c.264del (p.Tyr89fs)

Gene: POT1 (protection of telomeres 1; minus strand). Cytogenetic location: 7q31.33.
Variant type: Deletion.
Coding change: c.264del on transcript NM_015450.3 (MANE Select); coding-DNA position 264, one base deleted (A; older notation c.264delA).
Protein change: p.Tyr89fs; shifts the reading frame from tyrosine 89.
Molecular consequence: frameshift variant. On other transcripts: 5 prime UTR variant (1), non-coding transcript variant (3).
Genome position (GRCh38, 1-based): chr7:124,863,632, T deleted on the plus strand (A on the coding strand, the reverse complement: POT1 is on the minus strand). VCF-style (leftmost placement, unchanged base first): chr7-124863631-AT-A. GRCh37 (hg19) VCF-style: chr7-124503685-AT-A.
Other names: c.-130del (NM_001042594.2); short protein forms Y89fs.
Identifiers: ClinVar variation 4141942 (VCV004141942.1).

ClinVar aggregate classification (germline): Pathogenic (1 of 4 stars; one submission).

Conditions:
Hereditary cancer-predisposing syndrome. Also called: Hereditary neoplastic syndrome; Neoplastic Syndromes, Hereditary; Tumor predisposition; Hereditary Cancer Syndrome. Identifiers: Orphanet 140162, MedGen C0027672, MeSH D009386, MONDO:0015356.

Submission:

Ambry Genetics
Classification: Pathogenic for Hereditary cancer-predisposing syndrome. Last evaluated: 2025-08-18. Review status: criteria provided, single submitter. Criteria: Ambry Variant Classification Scheme 2023. Collection method: clinical testing. Allele origin: germline.
Comment: The c.264delA variant, located in coding exon 4 of the POT1 gene, results from a deletion of one nucleotide at nucleotide position 264, causing a translational frameshift with a predicted alternate stop codon (p.Y89Ifs*16). This variant is considered to be rare based on population cohorts in the Genome Aggregation Database (gnomAD). This alteration is expected to result in loss of function by premature protein truncation or nonsense-mediated mRNA decay. As such, this alteration is interpreted as a disease-causing mutation.